The following is an entry in ClinVar:

ClinVar aggregate classification (germline): Uncertain significance (1 of 4 stars; one submission).

Conditions:
HNSHA due to aldolase A deficiency (GSD12). Also called: Glycogen storage disease due to aldolase A deficiency; GLYCOGEN STORAGE DISEASE XII; GSD XII; RED CELL ALDOLASE DEFICIENCY. Identifiers: Orphanet 57, MedGen C0272066, MONDO:0012747, OMIM 611881.

Submission:

Labcorp Genetics (formerly Invitae), Labcorp
Classification: Uncertain significance for HNSHA due to aldolase A deficiency. Last evaluated: 2022-08-23. Review status: criteria provided, single submitter. Criteria: Invitae Variant Classification Sherloc (09022015). Collection method: clinical testing. Allele origin: germline.
Comment: In summary, the available evidence is currently insufficient to determine the role of this variant in disease. Therefore, it has been classified as a Variant of Uncertain Significance. This variant is not present in population databases (gnomAD no frequency). This variant has not been reported in the literature in individuals affected with ALDOA-related conditions. ClinVar contains an entry for this variant (Variation ID: 1378736). Algorithms developed to predict the effect of missense changes on protein structure and function are either unavailable or do not agree on the potential impact of this missense change (SIFT: "Deleterious"; PolyPhen-2: "Possibly Damaging"; Align-GVGD: "Class C0"). This sequence change replaces phenylalanine, which is neutral and non-polar, with leucine, which is neutral and non-polar, at codon 80 of the ALDOA protein (p.Phe80Leu).

NM_001243177.4(ALDOA):c.400T>C (p.Phe134Leu)

Genes: ALDOA (aldolase, fructose-bisphosphate A; plus strand), LOC112694756 (uncharaterized LOC112694756; plus strand). Cytogenetic location: 16p11.2.
Variant type: single nucleotide variant.
Coding change: c.400T>C on transcript NM_001243177.4 (MANE Select); coding-DNA position 400, T replaced by C.
Protein change: p.Phe134Leu; replaces phenylalanine 134 with leucine.
Molecular consequence: missense variant. On other transcripts: 3 prime UTR variant (3).
Genome position (GRCh38, 1-based): chr16:30,067,575, T>C. VCF-style: chr16-30067575-T-C. GRCh37 (hg19) VCF-style: chr16-30078896-T-C.
Other names: c.*747T>C (NM_001365304.2, NM_001365305.2, NM_001365307.2); c.238T>C, p.Phe80Leu (NM_001127617.2, NM_184041.5, NM_184043.2); short protein forms F134L, F80L.
Identifiers: ClinVar variation 1378736 (VCV001378736.6), dbSNP rs2151016133, ClinGen allele CA395486658.